The following is an entry in ClinVar:

NM_014727.3(KMT2B):c.5035A>G (p.Lys1679Glu)

Gene: KMT2B (lysine methyltransferase 2B; plus strand). Cytogenetic location: 19q13.12.
Variant type: single nucleotide variant.
Coding change: c.5035A>G on transcript NM_014727.3 (MANE Select); coding-DNA position 5035, A replaced by G.
Protein change: p.Lys1679Glu; replaces lysine 1679 with glutamic acid.
Molecular consequence: missense variant.
Genome position (GRCh38, 1-based): chr19:35,730,084, A>G. VCF-style: chr19-35730084-A-G. GRCh37 (hg19) VCF-style: chr19-36220985-A-G.
Other names: short protein forms K1679E.
Identifiers: ClinVar variation 2843628 (VCV002843628.3), dbSNP rs2513344873, ClinGen allele CA405419248.

ClinVar aggregate classification (germline): Uncertain significance (1 of 4 stars; one submission).

Submission:

Labcorp Genetics (formerly Invitae), Labcorp
Classification: Uncertain significance. Last evaluated: 2023-03-08. Review status: criteria provided, single submitter. Criteria: Invitae Variant Classification Sherloc (09022015). Collection method: clinical testing. Allele origin: germline.
Comment: This variant has not been reported in the literature in individuals affected with KMT2B-related conditions. This sequence change replaces lysine, which is basic and polar, with glutamic acid, which is acidic and polar, at codon 1679 of the KMT2B protein (p.Lys1679Glu). This variant is not present in population databases (gnomAD no frequency). Advanced modeling of protein sequence and biophysical properties (such as structural, functional, and spatial information, amino acid conservation, physicochemical variation, residue mobility, and thermodynamic stability) has been performed at Invitae for this missense variant, however the output from this modeling did not meet the statistical confidence thresholds required to predict the impact of this variant on KMT2B protein function. In summary, the available evidence is currently insufficient to determine the role of this variant in disease. Therefore, it has been classified as a Variant of Uncertain Significance.